The following is an entry in ClinVar:

NM_007110.5(TEP1):c.58C>A (p.Arg20=)

Gene: TEP1 (telomerase associated protein 1; minus strand). Cytogenetic location: 14q11.2.
Variant type: single nucleotide variant.
Coding change: c.58C>A on transcript NM_007110.5 (MANE Select); coding-DNA position 58, C replaced by A.
Protein change: p.Arg20=; no amino-acid change (arginine 20 retained).
Molecular consequence: synonymous variant.
Genome position (GRCh38, 1-based): chr14:20,408,382, G>T on the plus strand (C>A on the coding strand, the complement: TEP1 is on the minus strand). VCF-style: chr14-20408382-G-T. GRCh37 (hg19) VCF-style: chr14-20876541-G-T.
Other names: c.58C>A, p.Arg20= (NM_001319035.2).
Identifiers: ClinVar variation 778733 (VCV000778733.27), dbSNP rs145064396, ClinGen allele CA7080798.

ClinVar aggregate classification (germline): Likely benign. Review status: criteria provided, multiple submitters, no conflicts (2 of 4 stars). 2 submissions from 2 submitters: Likely benign (2). Last evaluated 2023-05-01.

Allele frequency attached by ClinVar (database versions not stated): ExAC 0.00059; ESP Exome Variant Server 0.00077; 1000 Genomes Project 30x 0.00078; 1000 Genomes Project 0.00080; TOPMed 0.00087.
gnomAD v4.1: 801 of 1,614,082 alleles (0.05%); highest among the groups gnomAD compares: Admixed American, 0.31%; 2 homozygotes.

Submissions (2):

CeGaT Center for Human Genetics Tuebingen
Classification: Likely benign. Last evaluated: 2023-05-01. Review status: criteria provided, single submitter. Criteria: CeGaT Center For Human Genetics Tuebingen Variant Classification Criteria Version 2. Collection method: clinical testing. Allele origin: germline. Affected: yes. Observed: 1 variant allele.
Comment: TEP1: BP4, BP7

Labcorp Genetics (formerly Invitae), Labcorp
Classification: Likely benign. Last evaluated: 2017-10-05. Review status: criteria provided, single submitter. Criteria: Invitae Variant Classification Sherloc (09022015). Collection method: clinical testing. Allele origin: germline.